The following is an entry in ClinVar:

ClinVar aggregate classification (germline): Pathogenic (1 of 4 stars; one submission).

Conditions:
Niemann-Pick disease, type B. Also called: Chronic Visceral ASMD (Niemann-Pick Disease Type B; NPD-B). Identifiers: Orphanet 77293, MedGen C0268243, MONDO:0011871, OMIM 607616. Disease mechanism: loss of function.
Niemann-Pick disease, type A. Also called: SPHINGOMYELIN LIPIDOSIS; SPHINGOMYELINASE DEFICIENCY; Infantile Neurovisceral ASMD (Niemann-Pick Disease Type A; NPD-A). Identifiers: Orphanet 77292, MedGen C0268242, MONDO:0009756, OMIM 257200. Disease mechanism: loss of function.

Allele frequency attached by ClinVar (database versions not stated): gnomAD 0.00001.

Submission:

Labcorp Genetics (formerly Invitae), Labcorp
Classification: Pathogenic for Niemann-Pick disease, type B; Niemann-Pick disease, type A. Last evaluated: 2024-01-21. Review status: criteria provided, single submitter. Criteria: Invitae Variant Classification Sherloc (09022015). Collection method: clinical testing. Allele origin: germline.
Comment: This sequence change creates a premature translational stop signal (p.Glu390*) in the SMPD1 gene. It is expected to result in an absent or disrupted protein product. Loss-of-function variants in SMPD1 are known to be pathogenic (PMID: 12369017, 15221801). This variant is not present in population databases (gnomAD no frequency). This variant has not been reported in the literature in individuals affected with SMPD1-related conditions. Algorithms developed to predict the effect of sequence changes on RNA splicing suggest that this variant may disrupt the consensus splice site. For these reasons, this variant has been classified as Pathogenic.

Literature cited by the submitters: PubMed 12369017; PubMed 15221801.

NM_000543.5(SMPD1):c.1168G>T (p.Glu390Ter)

Gene: SMPD1 (sphingomyelin phosphodiesterase 1; plus strand). Cytogenetic location: 11p15.4.
Variant type: single nucleotide variant.
Coding change: c.1168G>T on transcript NM_000543.5 (MANE Select); coding-DNA position 1168, G replaced by T.
Protein change: p.Glu390Ter; replaces glutamic acid 390 with a stop codon.
Molecular consequence: nonsense. On other transcripts: non-coding transcript variant (1), intron variant (1).
Genome position (GRCh38, 1-based): chr11:6,393,292, G>T. VCF-style: chr11-6393292-G-T. GRCh37 (hg19) VCF-style: chr11-6414522-G-T.
Other names: c.1165G>T, p.Glu389Ter (NM_001007593.3); c.1168G>T, p.Glu390Ter (NM_001318087.2); c.247G>T, p.Glu83Ter (NM_001318088.2); c.1132-325G>T (NM_001365135.2); short protein forms E83*, E390*, E389*.
Identifiers: ClinVar variation 2922349 (VCV002922349.3), dbSNP rs1848019149, ClinGen allele CA379373183.